The following is an entry in ClinVar:

NM_007294.4(BRCA1):c.137T>C (p.Phe46Ser)

Gene: BRCA1 (BRCA1 DNA repair associated; minus strand). Cytogenetic location: 17q21.31.
Variant type: single nucleotide variant.
Coding change: c.137T>C on transcript NM_007294.4 (MANE Select); coding-DNA position 137, T replaced by C.
Protein change: p.Phe46Ser; replaces phenylalanine 46 with serine.
Molecular consequence: missense variant. On other transcripts: 5 prime UTR variant (1), non-coding transcript variant (1).
Genome position (GRCh38, 1-based): chr17:43,106,531, A>G on the plus strand (T>C on the coding strand, the complement: BRCA1 is on the minus strand). VCF-style: chr17-43106531-A-G. GRCh37 (hg19) VCF-style: chr17-41258548-A-G.
Other names: c.-5T>C (NM_001407733.1, NM_001407734.1, NM_001407735.1 and 99 more transcripts); c.-52T>C (NM_001407853.1, NM_001407879.1, NM_001407881.1 and 58 more transcripts); c.137T>C, p.Phe46Ser (NM_001407854.1, NM_001407858.1, NM_001407859.1 and 168 more transcripts); short protein forms F46S.
Identifiers: ClinVar variation 867880 (VCV000867880.3), dbSNP rs2054796108, ClinGen allele CA10601880.
Genomic context (GRCh38, chr17:43,106,531, plus strand): 5'-TTCTTACATAAAGGACACTGTGAAGGCCCTTTCTTCTGGTTGAGAAGTTTCAGCATGCAA[A>G]ATCTATAAATTATAAAGAAAGAAAGAACAATTTAATTTACTTCCTTTTGTAGAAAGAATA-3'
Protein context (NP_009225.1, residues 36-56): STKCDHIFCK[Phe46Ser]CMLKLLNQKK

Conditions:
Breast-ovarian cancer, familial, susceptibility to, 1 (BROVCA1). Also called: BRCA1 Hereditary Breast and Ovarian Cancer; OVARIAN CANCER, SUSCEPTIBILITY TO. Identifiers: Orphanet 145, MedGen C2676676, MONDO:0011450, OMIM 604370. Disease mechanism: loss of function.

Submission:

Brotman Baty Institute, University of Washington
No classification provided (evidence only). Condition: Breast-ovarian cancer, familial 1. Review status: no classification provided. Collection method: in vitro. Allele origin: not applicable. Functional consequence: functionally_normal.
ClinVar note: "not provided" was previously submitted as the classification for the variant. However, the classification appeared to be based only on an observation of functional data so it was converted to no classification on 2025-07-30.